The following is an entry in ClinVar:

NM_012154.5(AGO2):c.2294A>G (p.Tyr765Cys)

Gene: AGO2 (argonaute RISC catalytic component 2; minus strand). Cytogenetic location: 8q24.3.
Variant type: single nucleotide variant.
Coding change: c.2294A>G on transcript NM_012154.5 (MANE Select); coding-DNA position 2294, A replaced by G.
Protein change: p.Tyr765Cys; replaces tyrosine 765 with cysteine.
Molecular consequence: missense variant.
Genome position (GRCh38, 1-based): chr8:140,532,593, T>C on the plus strand (A>G on the coding strand, the complement: AGO2 is on the minus strand). VCF-style: chr8-140532593-T-C. GRCh37 (hg19) VCF-style: chr8-141542692-T-C.
Other names: c.2192A>G, p.Tyr731Cys (NM_001164623.3); short protein forms Y731C, Y765C.
Identifiers: ClinVar variation 2503196 (VCV002503196.1), dbSNP rs2540672589, ClinGen allele CA372331304.

ClinVar aggregate classification (germline): Uncertain significance (1 of 4 stars; one submission).

Submission:

GeneDx
Classification: Uncertain significance. Last evaluated: 2022-11-23. Review status: criteria provided, single submitter. Criteria: GeneDx Variant Classification Process June 2021. Collection method: clinical testing. Allele origin: germline. Affected: yes.
Comment: Not observed at significant frequency in large population cohorts (gnomAD); In silico analysis supports that this missense variant has a deleterious effect on protein structure/function; Has not been previously published as pathogenic or benign to our knowledge